The following is an entry in ClinVar:

ClinVar aggregate classification (germline): Uncertain significance (1 of 4 stars; one submission).

Allele frequency attached by ClinVar (database versions not stated): gnomAD exomes below 0.00001.
gnomAD v4.1: 2 of 1,532,804 alleles (0.00013%); highest among the groups gnomAD compares: Non-Finnish European, 0.000087%; no homozygotes.

Submission:

Labcorp Genetics (formerly Invitae), Labcorp
Classification: Uncertain significance. Last evaluated: 2025-03-07. Review status: criteria provided, single submitter. Criteria: Invitae Variant Classification Sherloc (09022015). Collection method: clinical testing. Allele origin: germline.
Comment: This sequence change replaces lysine, which is basic and polar, with glutamic acid, which is acidic and polar, at codon 3 of the TOP2B protein (p.Lys3Glu). This variant is not present in population databases (gnomAD no frequency). This variant has not been reported in the literature in individuals affected with TOP2B-related conditions. ClinVar contains an entry for this variant (Variation ID: 2703774). An algorithm developed to predict the effect of missense changes on protein structure and function (PolyPhen-2) suggests that this variant is likely to be tolerated. In summary, the available evidence is currently insufficient to determine the role of this variant in disease. Therefore, it has been classified as a Variant of Uncertain Significance.

NM_001330700.2(TOP2B):c.7A>G (p.Lys3Glu)

Genes: TOP2B (DNA topoisomerase II beta; minus strand), LOC129936375 (ATAC-STARR-seq lymphoblastoid silent region 14146; plus strand). Cytogenetic location: 3p24.2.
Variant type: single nucleotide variant.
Coding change: c.7A>G on transcript NM_001330700.2 (MANE Select); coding-DNA position 7, A replaced by G.
Protein change: p.Lys3Glu; replaces lysine 3 with glutamic acid.
Molecular consequence: missense variant.
Genome position (GRCh38, 1-based): chr3:25,664,291, T>C on the plus strand (A>G on the coding strand, the complement: TOP2B is on the minus strand). VCF-style: chr3-25664291-T-C. GRCh37 (hg19) VCF-style: chr3-25705782-T-C.
Other names: c.7A>G, p.Lys3Glu (NM_001068.3); short protein forms K3E.
Identifiers: ClinVar variation 2703774 (VCV002703774.3), dbSNP rs2470429268, ClinGen allele CA351887565.